The following is an entry in ClinVar:

ClinVar aggregate classification (germline): Pathogenic/Likely pathogenic. Review status: criteria provided, multiple submitters, no conflicts (2 of 4 stars). 2 submissions from 2 submitters: Pathogenic (1); Likely pathogenic (1). Last evaluated 2024-12-05.

Conditions:
Neurodevelopmental disorder with microcephaly, seizures, and cortical atrophy. Identifiers: MedGen C4540493, MONDO:0060621, OMIM 617802.

Allele frequency attached by ClinVar (database versions not stated): TOPMed 0.00001.

Submissions (2):

Rady Children's Institute for Genomic Medicine, Rady Children's Hospital San Diego
Classification: Likely pathogenic for Neurodevelopmental disorder with microcephaly, seizures, and cortical atrophy. Last evaluated: 2024-12-05. Review status: criteria provided, single submitter. Criteria: ACMG Guidelines, 2015. Collection method: clinical testing. Allele origin: germline. Affected: yes.
Comment: This nonsense variant found in exon 20 of 30 is predicted to result in loss of normal protein function through either protein truncation or nonsense-mediated mRNA decay. Loss-of-function variation in VARS1 is an established mechanism of disease (PMID: 29691655). This variant has not been previously reported or functionally characterized in the literature to our knowledge. The c.2370G>A (p.Trp790Ter) variant is absent from the latest version of the gnomAD population database and thus is presumed to be rare. Based on the available evidence, c.2370G>A (p.Trp790Ter) is classified as Likely Pathogenic.

GeneDx
Classification: Pathogenic. Last evaluated: 2022-07-19. Review status: criteria provided, single submitter. Criteria: GeneDx Variant Classification Process June 2021. Collection method: clinical testing. Allele origin: germline. Affected: yes.
Comment: Nonsense variant predicted to result in protein truncation or nonsense mediated decay in a gene for which loss-of-function is a known mechanism of disease; Not observed in large population cohorts (gnomAD); Has not been previously published as pathogenic or benign to our knowledge

Literature cited by the submitters: PubMed 29691655 (cited by Rady Children's Institute for Genomic Medicine, Rady Children's Hospital San Diego).

NM_006295.3(VARS1):c.2370G>A (p.Trp790Ter)

Gene: VARS1 (valyl-tRNA synthetase 1; minus strand). Cytogenetic location: 6p21.33.
Variant type: single nucleotide variant.
Coding change: c.2370G>A on transcript NM_006295.3 (MANE Select); coding-DNA position 2370, G replaced by A.
Protein change: p.Trp790Ter; replaces tryptophan 790 with a stop codon.
Molecular consequence: nonsense.
Genome position (GRCh38, 1-based): chr6:31,781,739, C>T on the plus strand (G>A on the coding strand, the complement: VARS1 is on the minus strand). VCF-style: chr6-31781739-C-T. GRCh37 (hg19) VCF-style: chr6-31749516-C-T.
Other names: short protein forms W790*.
Identifiers: ClinVar variation 1697999 (VCV001697999.3), dbSNP rs1813160712, ClinGen allele CA363451001.